The following is an entry in ClinVar:

NM_000440.3(PDE6A):c.216A>G (p.Leu72=)

Gene: PDE6A (phosphodiesterase 6A; minus strand). Cytogenetic location: 5q32.
Variant type: single nucleotide variant.
Coding change: c.216A>G on transcript NM_000440.3 (MANE Select); coding-DNA position 216, A replaced by G.
Protein change: p.Leu72=; no amino-acid change (leucine 72 retained).
Molecular consequence: synonymous variant.
Genome position (GRCh38, 1-based): chr5:149,944,458, T>C on the plus strand (A>G on the coding strand, the complement: PDE6A is on the minus strand). VCF-style: chr5-149944458-T-C. GRCh37 (hg19) VCF-style: chr5-149324021-T-C.
Other names: c.216A>G (NM_000440.2).
Identifiers: ClinVar variation 1576650 (VCV001576650.10), dbSNP rs570928102, ClinGen allele CA3505113.

ClinVar aggregate classification (germline): Likely benign. Review status: criteria provided, single submitter (1 of 4 stars). 2 submissions from 2 submitters: Likely benign (1). 1 of the submissions does not count toward it. Last evaluated 2023-10-13.

Conditions:
PDE6A-related disorder. Also called: PDE6A-related condition.

Allele frequency attached by ClinVar (database versions not stated): TOPMed 0.00001; gnomAD 0.00007; gnomAD exomes 0.00011 and 0.00021; ExAC 0.00021; 1000 Genomes Project 30x 0.00031; 1000 Genomes Project 0.00040.
gnomAD v4.1: 173 of 1,614,178 alleles (0.011%); highest among the groups gnomAD compares: South Asian, 0.19%; 1 homozygote.

Submissions (2):

Labcorp Genetics (formerly Invitae), Labcorp
Classification: Likely benign. Last evaluated: 2023-10-13. Review status: criteria provided, single submitter. Criteria: Invitae Variant Classification Sherloc (09022015). Collection method: clinical testing. Allele origin: germline.

PreventionGenetics, part of Exact Sciences
Classification: Likely benign for PDE6A-related condition. Last evaluated: 2019-03-01. Review status: no assertion criteria provided. Collection method: clinical testing. Allele origin: germline. Not counted in ClinVar's aggregate classification.
Comment: This variant is classified as likely benign based on ACMG/AMP sequence variant interpretation guidelines (Richards et al. 2015 PMID: 25741868, with internal and published modifications).